The following is an entry in ClinVar:

NM_002529.4(NTRK1):c.850+747_850+752del

Gene: NTRK1 (neurotrophic receptor tyrosine kinase 1; plus strand). Cytogenetic location: 1q23.1.
Variant type: Deletion.
Coding change: c.850+747_850+752del on transcript NM_002529.4 (MANE Select); bases 747 to 752 of the intron after coding-DNA position 850, 6 bases deleted (TTTATA; older notation c.850+747_850+752delTTTATA).
Molecular consequence: intron variant.
Genome position (GRCh38, 1-based): chr1:156,872,502-156,872,507, TTTATA deleted; deleting any 6 consecutive bases within chr1:156,872,497-156,872,507 gives the same sequence; the c. name uses the placement nearest the transcript's 3' end. VCF-style (leftmost placement, unchanged base first): chr1-156872496-ATTATAT-A. GRCh37 (hg19) VCF-style: chr1-156842288-ATTATAT-A.
Other names: c.760+747_760+752del (NM_001007792.1); c.850+747_850+752del (NM_001012331.2).
Identifiers: ClinVar variation 1879100 (VCV001879100.29), dbSNP rs201922140, ClinGen allele CA31114200.
Genomic context (GRCh38, chr1:156,872,496, plus strand): 5'-CATTATATAAATGGAATCATACTGCGTGTATTATTTTGTATCTGGTTTCTTTCATTCAAC[ATTATAT>A]TTATAAGATTCATTCATGTTAATGGGAGTTGCTATATGTAGCTCATGCAATTCATTGCTA-3'

ClinVar aggregate classification (germline): Benign (1 of 4 stars; one submission).

Submission:

CeGaT Center for Human Genetics Tuebingen
Classification: Benign. Last evaluated: 2026-09-01. Review status: criteria provided, single submitter. Criteria: CeGaT Center For Human Genetics Tuebingen Variant Classification Criteria Version 2. Collection method: clinical testing. Allele origin: germline. Affected: yes. Observed: 38 variant alleles.
Comment: NTRK1: BS1, BS2